The following is an entry in ClinVar:

ClinVar aggregate classification (germline): Uncertain significance (1 of 4 stars; one submission).

Conditions:
CDK9-related disorder. Also called: CDK9-related condition.

Submission:

3billion
Classification: Uncertain significance for CDK9-related disorder. Last evaluated: 2025-12-17. Review status: criteria provided, single submitter. Criteria: ACMG Guidelines, 2015. Collection method: clinical testing. Allele origin: germline. Affected: yes.
Comment: The variant is observed at an extremely low frequency in the gnomAD v4.1.0 dataset (total allele frequency: 0.002%). Predicted Consequence/Location: Missense variant In silico tool predictions suggest damaging effect of the variant on gene or gene product [REVEL: 0.71 (>=0.6, sensitivity 0.68 and specificity 0.92)]. The same nucleotide change resulting in the same amino acid change has been previously reported to be associated with CDK9-related disorder (PMID:33640901). However, the evidence of pathogenicity is insufficient at this time. Therefore, this variant is classified as VUS according to the recommendation of ACMG/AMP guideline.

Literature cited by the submitters: PubMed 33640901.

NM_001261.4(CDK9):c.862G>A (p.Ala288Thr)

Gene: CDK9 (cyclin dependent kinase 9; plus strand). Cytogenetic location: 9q34.11.
Variant type: single nucleotide variant.
Coding change: c.862G>A on transcript NM_001261.4 (MANE Select); coding-DNA position 862, G replaced by A.
Protein change: p.Ala288Thr; replaces alanine 288 with threonine.
Molecular consequence: missense variant.
Genome position (GRCh38, 1-based): chr9:127,789,286, G>A. VCF-style: chr9-127789286-G-A. GRCh37 (hg19) VCF-style: chr9-130551565-G-A.
Other names: short protein forms A288T.
Identifiers: ClinVar variation 4855432 (VCV004855432.1).